The following is an entry in ClinVar:

ClinVar aggregate classification (germline): Benign/Likely benign. Review status: criteria provided, multiple submitters, no conflicts (2 of 4 stars). 4 submissions from 4 submitters: Benign (2); Likely benign (1). 1 of the submissions does not count toward it. Last evaluated 2026-08-01.

Conditions:
SLCO2A1-related disorder. Also called: SLCO2A1-related condition.

Allele frequency attached by ClinVar (database versions not stated): 1000 Genomes Project 30x 0.00016; 1000 Genomes Project 0.00040; gnomAD exomes 0.00252 and 0.00407; ESP Exome Variant Server 0.00253; gnomAD 0.00275 and 0.00291; TOPMed 0.00279.
gnomAD v4.1: 6,267 of 1,589,924 alleles (0.39%); highest among the groups gnomAD compares: Non-Finnish European, 0.49%; 24 homozygotes.

Submissions (4):

CeGaT Center for Human Genetics Tuebingen
Classification: Likely benign. Last evaluated: 2026-08-01. Review status: criteria provided, single submitter. Criteria: CeGaT Center For Human Genetics Tuebingen Variant Classification Criteria Version 2. Collection method: clinical testing. Allele origin: germline. Affected: yes. Observed: 9 variant alleles.
Comment: SLCO2A1: BS2

Labcorp Genetics (formerly Invitae), Labcorp
Classification: Benign. Last evaluated: 2026-01-30. Review status: criteria provided, single submitter. Criteria: Invitae Variant Classification Sherloc (09022015). Collection method: clinical testing. Allele origin: germline.

Breakthrough Genomics
Classification: Benign. Review status: criteria provided, single submitter. Criteria: ACMG Guidelines, 2015. Collection method: not provided. Allele origin: germline. Inheritance: Autosomal recessive inheritance. Affected: yes.

PreventionGenetics, part of Exact Sciences
Classification: Likely benign for SLCO2A1-related condition. Last evaluated: 2023-05-05. Review status: no assertion criteria provided. Collection method: clinical testing. Allele origin: germline. Not counted in ClinVar's aggregate classification.
Comment: This variant is classified as likely benign based on ACMG/AMP sequence variant interpretation guidelines (Richards et al. 2015 PMID: 25741868, with internal and published modifications).

NM_005630.3(SLCO2A1):c.77C>T (p.Ser26Leu)

Gene: SLCO2A1 (solute carrier organic anion transporter family member 2A1; minus strand). Cytogenetic location: 3q22.2.
Variant type: single nucleotide variant.
Coding change: c.77C>T on transcript NM_005630.3 (MANE Select); coding-DNA position 77, C replaced by T.
Protein change: p.Ser26Leu; replaces serine 26 with leucine.
Molecular consequence: missense variant.
Genome position (GRCh38, 1-based): chr3:134,029,726, G>A on the plus strand (C>T on the coding strand, the complement: SLCO2A1 is on the minus strand). VCF-style: chr3-134029726-G-A. GRCh37 (hg19) VCF-style: chr3-133748570-G-A.
Other names: short protein forms S26L.
Identifiers: ClinVar variation 719593 (VCV000719593.34), dbSNP rs201797879, ClinGen allele CA2626956.